The following is an entry in ClinVar:

ClinVar aggregate classification (germline): Benign (1 of 4 stars; one submission).

Submission:

Dasa
Classification: Benign. Last evaluated: 2025-12-12. Review status: criteria provided, single submitter. Criteria: DASA Assertion Criteria. Collection method: clinical testing. Allele origin: germline.
Comment: NM_002890.3(RASA1):c.1050-95_1050-94del is an intronic variant. Population frequency is inconsistent with a disease-causing role for this variant, observations in unaffected individuals support a benign interpretation, and the variant context is inconsistent with a known disease-causing mechanism. Therefore, based on the currently available evidence, this variant is classified as benign.

NM_002890.3(RASA1):c.1050-95_1050-94del

Genes: CCNH (cyclin H; minus strand), RASA1 (RAS p21 protein activator 1; plus strand). Cytogenetic location: 5q14.3.
Variant type: Deletion.
Coding change: c.1050-95_1050-94del on transcript NM_002890.3 (MANE Select); 95 bases into the intron before coding-DNA position 1050 through 94 bases into the intron before coding-DNA position 1050, 2 bases deleted (TT; older notation c.1050-95_1050-94delTT).
Molecular consequence: intron variant.
Genome position (GRCh38, 1-based): chr5:87,346,577-87,346,578, TT deleted; deleting any 2 consecutive bases within chr5:87,346,576-87,346,578 gives the same sequence; the c. name uses the placement nearest the transcript's 3' end. VCF-style (leftmost placement, unchanged base first): chr5-87346575-CTT-C. GRCh37 (hg19) VCF-style: chr5-86642392-CTT-C.
Other names: c.519-95_519-94del (NM_022650.3); c.934-33782_934-33781del (NM_001364075.2).
Identifiers: ClinVar variation 4856941 (VCV004856941.2).